The following is an entry in ClinVar:

ClinVar aggregate classification (germline): Pathogenic (0 of 4 stars; one submission).

Conditions:
Radioulnar synostosis with amegakaryocytic thrombocytopenia 2 (RUSAT2). Also called: RADIOULNAR SYNOSTOSIS AND AMEGAKARYOCYTIC THROMBOCYTOPENIA 2. Identifiers: Orphanet 71289, MedGen C4225221, MONDO:0014758, OMIM 616738.

Submission:

Gene Discovery Core-Manton Center, Boston Children's Hospital
Classification: Pathogenic for Radioulnar synostosis with amegakaryocytic thrombocytopenia 2. Last evaluated: 2020-02-14. Review status: no assertion criteria provided. Collection method: research. Allele origin: de novo. Affected: yes.
Comment: This variant is interpreted as Pathogenic for Radioulnar synostosis with amegakaryocytic thrombocytopenia 2;, Autosomal Dominant. PM1- Located in a mutational hot spot and/or critical and well-established functional domain (e.g., active site of an enzyme) without benign variation. PM2- Absent from controls (gnomad). PP2- Missense variant in a gene that has a low rate of benign missense variation and in which missense variants are a common mechanism of disease. PP3- Multiple lines of computational evidence support a deleterious effect on the gene or gene product (conservation, evolutionary, splicing impact, etc.)

NM_004991.4(MECOM):c.2849G>C (p.Arg950Thr)

Gene: MECOM (MDS1 and EVI1 complex locus; minus strand). Cytogenetic location: 3q26.2.
Variant type: single nucleotide variant.
Coding change: c.2849G>C on transcript NM_004991.4 (MANE Select); coding-DNA position 2849, G replaced by C.
Protein change: p.Arg950Thr; replaces arginine 950 with threonine.
Molecular consequence: missense variant.
Genome position (GRCh38, 1-based): chr3:169,100,885, C>G on the plus strand (G>C on the coding strand, the complement: MECOM is on the minus strand). VCF-style: chr3-169100885-C-G. GRCh37 (hg19) VCF-style: chr3-168818673-C-G.
Other names: c.2480G>C, p.Arg827Thr (NM_001105077.4); c.2285G>C, p.Arg762Thr (NM_001105078.4, NM_001205194.2, NM_001366469.2 and 1 more transcripts); c.2261G>C, p.Arg754Thr (NM_001163999.2, NM_001366470.2); c.2258G>C, p.Arg753Thr (NM_001164000.2, NM_001366471.2, NM_001366472.2); c.2822G>C, p.Arg941Thr (NM_001366466.2); c.2288G>C, p.Arg763Thr (NM_001366467.2, NM_001366468.2); c.1850G>C, p.Arg617Thr (NM_001366473.2); c.1286G>C, p.Arg429Thr (NM_001366474.2); short protein forms R429T, R617T, R753T, R754T, R762T, R763T, R827T, R941T.
Identifiers: ClinVar variation 1188840 (VCV001188840.1), dbSNP rs2148947240, ClinGen allele CA355077771.